The following is an entry in ClinVar:

NM_004055.5(CAPN5):c.1181dup (p.Lys395fs)

Gene: CAPN5 (calpain 5; plus strand). Cytogenetic location: 11q13.5.
Variant type: Duplication.
Coding change: c.1181dup on transcript NM_004055.5 (MANE Select); coding-DNA position 1181, one base duplicated (T; older notation c.1181dupT).
Protein change: p.Lys395fs; shifts the reading frame from lysine 395.
Molecular consequence: frameshift variant.
Genome position (GRCh38, 1-based): chr11:77,119,043, T duplicated. VCF-style (leftmost placement, unchanged base first): chr11-77119042-G-GT. GRCh37 (hg19) VCF-style: chr11-76830088-G-GT.
Other names: short protein forms K395fs.
Identifiers: ClinVar variation 1424648 (VCV001424648.6), dbSNP rs1555042243, ClinGen allele CA600341262.
Genomic context (GRCh38, chr11:77,119,042, plus strand): 5'-GTGTGGTCTCATTGCAGTGTCTCTCTCTCTCCTTGGCCACACCTGCAGTACATCTTCGAA[G>GT]TCAAGAAGCCAGAAGATGAAGTCCTGATCTGCATCCAGCAGCGGCCAAAGCGGTCTACGC-3'

ClinVar aggregate classification (germline): Uncertain significance (1 of 4 stars; one submission).

Allele frequency attached by ClinVar (database versions not stated): gnomAD exomes below 0.00001 and 0.00001.

Submission:

Labcorp Genetics (formerly Invitae), Labcorp
Classification: Uncertain significance. Last evaluated: 2022-02-24. Review status: criteria provided, single submitter. Criteria: Invitae Variant Classification Sherloc (09022015). Collection method: clinical testing. Allele origin: germline.
Comment: In summary, the available evidence is currently insufficient to determine the role of this variant in disease. Therefore, it has been classified as a Variant of Uncertain Significance. This variant has not been reported in the literature in individuals affected with CAPN5-related conditions. This variant is present in population databases (no rsID available, gnomAD 0.006%). This sequence change creates a premature translational stop signal (p.Lys395Glnfs*6) in the CAPN5 gene. It is expected to result in an absent or disrupted protein product. However, the current clinical and genetic evidence is not sufficient to establish whether loss-of-function variants in CAPN5 cause disease.